The following is an entry in ClinVar:

NM_201384.3(PLEC):c.1721G>A (p.Arg574Gln)

Gene: PLEC (plectin; minus strand). Cytogenetic location: 8q24.3.
Variant type: single nucleotide variant.
Coding change: c.1721G>A on transcript NM_201384.3 (MANE Select); coding-DNA position 1721, G replaced by A.
Protein change: p.Arg574Gln; replaces arginine 574 with glutamine.
Molecular consequence: missense variant.
Genome position (GRCh38, 1-based): chr8:143,932,809, C>T on the plus strand (G>A on the coding strand, the complement: PLEC is on the minus strand). VCF-style: chr8-143932809-C-T. GRCh37 (hg19) VCF-style: chr8-145006977-C-T.
Other names: c.1802G>A, p.Arg601Gln (NM_000445.5); c.1679G>A, p.Arg560Gln (NM_201378.4); c.1655G>A, p.Arg552Gln (NM_201379.3); c.2132G>A, p.Arg711Gln (NM_201380.4); c.1625G>A, p.Arg542Gln (NM_201381.3); c.1721G>A, p.Arg574Gln (NM_201382.4); c.1733G>A, p.Arg578Gln (NM_201383.3); c.1802G>A (NM_000445.3); short protein forms R560Q, R574Q, R542Q, R578Q, R601Q, R711Q, R552Q.
Identifiers: ClinVar variation 471547 (VCV000471547.10), dbSNP rs782426860, ClinGen allele CA4927893.

ClinVar aggregate classification (germline): Uncertain significance. Review status: criteria provided, multiple submitters, no conflicts (2 of 4 stars). 4 submissions from 4 submitters: Uncertain significance (4). Last evaluated 2026-09-02.

Conditions:
PLEC-related disorder. Also called: PLEC-related disorders; PLEC-related condition.
Autosomal recessive limb-girdle muscular dystrophy type 2Q (LGMDR17). Also called: MUSCULAR DYSTROPHY, LIMB-GIRDLE, AUTOSOMAL RECESSIVE 17. Identifiers: Orphanet 254361, MedGen C3150989, MONDO:0013390, OMIM 613723.
Epidermolysis bullosa simplex with nail dystrophy (EBS5D). Identifiers: MedGen C4225309, MONDO:0014661, OMIM 616487.
Epidermolysis bullosa simplex 5C, with pyloric atresia (EBS5C). Also called: PLEC-Related Epidermolysis Bullosa with Pyloric Atresia; Epidermolysis bullosa simplex with pyloric atresia; PLEC1-Related Epidermolysis Bullosa with Pyloric Atresia. Identifiers: Orphanet 158684, MedGen C2677349, MONDO:0012807, OMIM 612138.
Epidermolysis bullosa simplex, Ogna type (EBS5A). Also called: Pidermolysis bullosa simplex 5A, Ogna type; EPIDERMOLYSIS BULLOSA SIMPLEX 5A, OGNA TYPE. Identifiers: Orphanet 79401, MedGen C0432317, MONDO:0007555, OMIM 131950.
Epidermolysis bullosa simplex 5B, with muscular dystrophy (EBS5B). Also called: EPIDERMOLYSIS BULLOSA SIMPLEX AND LIMB-GIRDLE MUSCULAR DYSTROPHY; Epidermolysis bullosa simplex with muscular dystrophy. Identifiers: Orphanet 257, MedGen C2931072, MONDO:0009181, OMIM 226670.
Inborn genetic diseases. Identifiers: MedGen C0950123, MeSH D030342.

Allele frequency attached by ClinVar (database versions not stated): gnomAD 0.00001 and 0.00002; gnomAD exomes 0.00002; TOPMed 0.00002; ExAC 0.00003.
gnomAD v4.1: 54 of 1,612,306 alleles (0.0033%); highest among the groups gnomAD compares: East Asian, 0.0089%; no homozygotes.

Submissions (4):

PreventionGenetics, part of Exact Sciences
Classification: Uncertain significance for PLEC-related condition. Last evaluated: 2026-09-02. Review status: criteria provided, single submitter. Criteria: ACMG Guidelines, 2015. Collection method: clinical testing. Allele origin: germline.
Comment: The PLEC c.1802G>A variant is predicted to result in the amino acid substitution p.Arg601Gln. To our knowledge, this variant has not been reported in the literature. This variant is reported in 0.0033% of alleles in individuals of South Asian descent in gnomAD. At this time, the clinical significance of this variant is uncertain due to the absence of conclusive functional and genetic evidence.

Ambry Genetics
Classification: Uncertain significance for Inborn genetic diseases. Last evaluated: 2025-10-18. Review status: criteria provided, single submitter. Criteria: Ambry Variant Classification Scheme 2023. Collection method: clinical testing. Allele origin: germline.
Comment: The c.1802G>A (p.R601Q) alteration is located in exon 15 (coding exon 14) of the PLEC gene. This alteration results from a G to A substitution at nucleotide position 1802, causing the arginine (R) at amino acid position 601 to be replaced by a glutamine (Q). Based on data from gnomAD, the A allele has an overall frequency of 0.003% (8/272730) total alleles studied. The highest observed frequency was 0.029% (2/7022) of Other alleles. Based on insufficient or conflicting evidence, the clinical significance of this alteration remains unclear.

Labcorp Genetics (formerly Invitae), Labcorp
Classification: Uncertain significance for Autosomal recessive limb-girdle muscular dystrophy type 2Q; Epidermolysis bullosa simplex, Ogna type; Epidermolysis bullosa simplex with nail dystrophy; Epidermolysis bullosa simplex 5C, with pyloric atresia; Epidermolysis bullosa simplex 5B, with muscular dystrophy. Last evaluated: 2025-07-31. Review status: criteria provided, single submitter. Criteria: Invitae Variant Classification Sherloc (09022015). Collection method: clinical testing. Allele origin: germline.
Comment: This sequence change replaces arginine, which is basic and polar, with glutamine, which is neutral and polar, at codon 601 of the PLEC protein (p.Arg601Gln). This variant is present in population databases (rs782426860, gnomAD 0.003%). This variant has not been reported in the literature in individuals affected with PLEC-related conditions. ClinVar contains an entry for this variant (Variation ID: 471547). Invitae Evidence Modeling of protein sequence and biophysical properties (such as structural, functional, and spatial information, amino acid conservation, physicochemical variation, residue mobility, and thermodynamic stability) indicates that this missense variant is not expected to disrupt PLEC protein function with a negative predictive value of 80%. In summary, the available evidence is currently insufficient to determine the role of this variant in disease. Therefore, it has been classified as a Variant of Uncertain Significance.

Revvity Omics, Revvity
Classification: Uncertain significance. Last evaluated: 2022-08-09. Review status: criteria provided, single submitter. Criteria: ACMG Guidelines, 2015. Collection method: clinical testing. Allele origin: germline.